The following is an entry in ClinVar:

ClinVar aggregate classification (germline): Likely pathogenic (1 of 4 stars; one submission).

Conditions:
ARCN1-related disorder. Also called: ARCN1-related condition.

Submission:

PreventionGenetics, part of Exact Sciences
Classification: Likely pathogenic for ARCN1-related condition. Last evaluated: 2025-12-15. Review status: criteria provided, single submitter. Criteria: ACMG Guidelines, 2015. Collection method: clinical testing. Allele origin: germline.
Comment: The ARCN1 c.1317dupG variant is predicted to result in a frameshift and premature protein termination (p.Trp440Valfs*7). To our knowledge, this variant has not been reported in the literature or in a large population database (gnomAD), indicating this variant is rare. Frameshift variants in ARCN1 are expected to be pathogenic. This variant is interpreted as likely pathogenic.

NM_001655.5(ARCN1):c.1317dup (p.Trp440fs)

Gene: ARCN1 (archain 1 coat protein complex I subunit delta; plus strand). Cytogenetic location: 11q23.3.
Variant type: Duplication.
Coding change: c.1317dup on transcript NM_001655.5 (MANE Select); coding-DNA position 1317, one base duplicated (G; older notation c.1317dupG).
Protein change: p.Trp440fs; shifts the reading frame from tryptophan 440.
Molecular consequence: frameshift variant. On other transcripts: non-coding transcript variant (2), intron variant (3).
Genome position (GRCh38, 1-based): chr11:118,597,782, G duplicated. VCF-style (leftmost placement, unchanged base first): chr11-118597781-A-AG. GRCh37 (hg19) VCF-style: chr11-118468496-A-AG.
Other names: c.1053dup, p.Trp352fs (NM_001142281.2); c.1380dup, p.Trp461fs (NM_001425073.1); c.1314dup, p.Trp439fs (NM_001425074.1); c.1260dup, p.Trp421fs (NM_001425075.1); c.1248dup, p.Trp417fs (NM_001425076.1); c.1152dup, p.Trp385fs (NM_001425077.1); c.873dup, p.Trp292fs (NM_001425080.1); c.1242-2843dup (NM_001425078.1); and 2 more; short protein forms W292fs, W417fs, W352fs, W385fs, W439fs, W440fs, W421fs, W461fs.
Identifiers: ClinVar variation 4995246 (VCV004995246.1).
Genomic context (GRCh38, chr11:118,597,781, plus strand): 5'-CGCCTGTTATCGGTGAGATCGATGGGGAGTATCGACATGACAGTCGACGAAATACCCTGG[A>AG]GTGGTGCCTGCCTGTGATTGATGCCAAAAATAAGAGTGGCAGCCTGGAGTTTAGCATTGC-3'